The following is an entry in ClinVar:

ClinVar aggregate classification (germline): Benign (0 of 4 stars; one submission).

Conditions:
BACH1-related disorder. Also called: BACH1-related condition.

Allele frequency attached by ClinVar (database versions not stated): gnomAD exomes 0.43508; ExAC 0.47017; ESP Exome Variant Server 0.49285; gnomAD 0.49525; TOPMed 0.50566; 1000 Genomes Project 0.56589; 1000 Genomes Project 30x 0.56855.
gnomAD v4.1: 712,430 of 1,613,806 alleles (44%); highest among the groups gnomAD compares: African/African-American, 65%; 161,378 homozygotes.

Submission:

PreventionGenetics, part of Exact Sciences
Classification: Benign for BACH1-related condition. Last evaluated: 2019-10-16. Review status: no assertion criteria provided. Collection method: clinical testing. Allele origin: germline.
Comment: This variant is classified as benign based on ACMG/AMP sequence variant interpretation guidelines (Richards et al. 2015 PMID: 25741868, with internal and published modifications).

NM_001186.4(BACH1):c.1833T>C (p.Gly611=)

Genes: BACH1 (BTB domain and CNC homolog 1; plus strand), LOC126653338 (CDK7 strongly-dependent group 2 enhancer GRCh37_chr21:30714441-30715640; plus strand). Cytogenetic location: 21q21.3.
Variant type: single nucleotide variant.
Coding change: c.1833T>C on transcript NM_001186.4 (MANE Select); coding-DNA position 1833, T replaced by C.
Protein change: p.Gly611=; no amino-acid change (glycine 611 retained).
Molecular consequence: synonymous variant.
Genome position (GRCh38, 1-based): chr21:29,342,455, T>C. VCF-style: chr21-29342455-T-C. GRCh37 (hg19) VCF-style: chr21-30714776-T-C.
Other names: c.1833T>C, p.Gly611= (NM_206866.3).
Identifiers: ClinVar variation 3059943 (VCV003059943.2), dbSNP rs388707, ClinGen allele CA9993142.